The following is an entry in ClinVar:

ClinVar aggregate classification (germline): Uncertain significance (1 of 4 stars; one submission).

Submission:

Labcorp Genetics (formerly Invitae), Labcorp
Classification: Uncertain significance. Last evaluated: 2025-08-18. Review status: criteria provided, single submitter. Criteria: Invitae Variant Classification Sherloc (09022015). Collection method: clinical testing. Allele origin: germline.
Comment: This sequence change replaces glutamine, which is neutral and polar, with proline, which is neutral and non-polar, at codon 782 of the PDE10A protein (p.Gln782Pro). This variant is not present in population databases (gnomAD no frequency). This variant has not been reported in the literature in individuals affected with PDE10A-related conditions. ClinVar contains an entry for this variant (Variation ID: 3640722). An algorithm developed to predict the effect of missense changes on protein structure and function outputs the following: PolyPhen-2: "Benign". The proline amino acid residue is found in multiple mammalian species, which suggests that this missense change does not adversely affect protein function. In summary, the available evidence is currently insufficient to determine the role of this variant in disease. Therefore, it has been classified as a Variant of Uncertain Significance.

NM_001385079.1(PDE10A):c.3143A>C (p.Gln1048Pro)

Gene: PDE10A (phosphodiesterase 10A; minus strand). Cytogenetic location: 6q27.
Variant type: single nucleotide variant.
Coding change: c.3143A>C on transcript NM_001385079.1 (MANE Select); coding-DNA position 3143, A replaced by C.
Protein change: p.Gln1048Pro; replaces glutamine 1048 with proline.
Molecular consequence: missense variant.
Genome position (GRCh38, 1-based): chr6:165,333,050, T>G on the plus strand (A>C on the coding strand, the complement: PDE10A is on the minus strand). VCF-style: chr6-165333050-T-G. GRCh37 (hg19) VCF-style: chr6-165746539-T-G.
Other names: c.2345A>C, p.Gln782Pro (NM_001130690.3); c.2315A>C, p.Gln772Pro (NM_006661.4); short protein forms Q782P, Q1048P, Q772P.
Identifiers: ClinVar variation 3640722 (VCV003640722.2).